The following is an entry in ClinVar:

NM_001367624.2(ZNF469):c.461A>G (p.Gln154Arg)

Gene: ZNF469 (zinc finger protein 469; plus strand). Cytogenetic location: 16q24.2.
Variant type: single nucleotide variant.
Coding change: c.461A>G on transcript NM_001367624.2 (MANE Select); coding-DNA position 461, A replaced by G.
Protein change: p.Gln154Arg; replaces glutamine 154 with arginine.
Molecular consequence: missense variant.
Genome position (GRCh38, 1-based): chr16:88,427,931, A>G. VCF-style: chr16-88427931-A-G. GRCh37 (hg19) VCF-style: chr16-88494339-A-G.
Other names: short protein forms Q154R.
Identifiers: ClinVar variation 1501515 (VCV001501515.3), dbSNP rs1455652900, ClinGen allele CA397060027.
Genomic context (GRCh38, chr16:88,427,931, plus strand): 5'-ACGAGACACCAGAGAACCCACAGCTGGAGGCTGCCCAGCTCCCTGAGGTGGACACCCCCC[A>G]GGGCCCTGGGACTGGAGCTCCACTCAGGCCGGGCCTCCCAAGGACTGAGGCCCAACCCGC-3'
Protein context (NP_001354553.1, residues 144-164): AAQLPEVDTP[Gln154Arg]GPGTGAPLRP

ClinVar aggregate classification (germline): Uncertain significance (1 of 4 stars; one submission).

Allele frequency attached by ClinVar (database versions not stated): TOPMed below 0.00001; gnomAD 0.00001; gnomAD exomes 0.00002 and 0.00003.
gnomAD v4.1: 11 of 1,549,750 alleles (0.00071%); highest among the groups gnomAD compares: Non-Finnish European, 0.00096%; no homozygotes.

Submission:

Labcorp Genetics (formerly Invitae), Labcorp
Classification: Uncertain significance. Last evaluated: 2022-03-14. Review status: criteria provided, single submitter. Criteria: Invitae Variant Classification Sherloc (09022015). Collection method: clinical testing. Allele origin: germline.
Comment: This sequence change replaces glutamine, which is neutral and polar, with arginine, which is basic and polar, at codon 154 of the ZNF469 protein (p.Gln154Arg). This variant is present in population databases (no rsID available, gnomAD 0.008%). This variant has not been reported in the literature in individuals affected with ZNF469-related conditions. Algorithms developed to predict the effect of missense changes on protein structure and function output the following: SIFT: "Tolerated"; PolyPhen-2: "Benign"; Align-GVGD: "Class C0". The arginine amino acid residue is found in multiple mammalian species, which suggests that this missense change does not adversely affect protein function. In summary, the available evidence is currently insufficient to determine the role of this variant in disease. Therefore, it has been classified as a Variant of Uncertain Significance.